The following is an entry in ClinVar:

NM_001170629.2(CHD8):c.3G>A (p.Met1Ile)

Gene: CHD8 (chromodomain helicase DNA binding protein 8; minus strand). Cytogenetic location: 14q11.2.
Variant type: single nucleotide variant.
Coding change: c.3G>A on transcript NM_001170629.2 (MANE Select); coding-DNA position 3, G replaced by A.
Protein change: p.Met1Ile; changes the start codon (methionine 1).
Molecular consequence: missense variant, initiator codon variant. On other transcripts: intron variant (1).
Genome position (GRCh38, 1-based): chr14:21,431,641, C>T on the plus strand (G>A on the coding strand, the complement: CHD8 is on the minus strand). VCF-style: chr14-21431641-C-T. GRCh37 (hg19) VCF-style: chr14-21899800-C-T.
Other names: c.6+170G>A (NM_020920.4); short protein forms M1I.
Identifiers: ClinVar variation 2090376 (VCV002090376.5), dbSNP rs2502017323, ClinGen allele CA388891692.

ClinVar aggregate classification (germline): Uncertain significance (1 of 4 stars; one submission).

Submission:

Labcorp Genetics (formerly Invitae), Labcorp
Classification: Uncertain significance. Last evaluated: 2024-08-06. Review status: criteria provided, single submitter. Criteria: Invitae Variant Classification Sherloc (09022015). Collection method: clinical testing. Allele origin: germline.
Comment: This sequence change affects the initiator methionine of the CHD8 mRNA. The next in-frame methionine is located at codon 6. This variant is not present in population databases (gnomAD no frequency). This variant has not been reported in the literature in individuals affected with CHD8-related conditions. ClinVar contains an entry for this variant (Variation ID: 2090376). In summary, the available evidence is currently insufficient to determine the role of this variant in disease. Therefore, it has been classified as a Variant of Uncertain Significance.